The following is an entry in ClinVar:

NM_001369.3(DNAH5):c.275C>T (p.Thr92Ile)

Gene: DNAH5 (dynein axonemal heavy chain 5; minus strand). Cytogenetic location: 5p15.2.
Variant type: single nucleotide variant.
Coding change: c.275C>T on transcript NM_001369.3 (MANE Select); coding-DNA position 275, C replaced by T.
Protein change: p.Thr92Ile; replaces threonine 92 with isoleucine.
Molecular consequence: missense variant.
Genome position (GRCh38, 1-based): chr5:13,928,096, G>A on the plus strand (C>T on the coding strand, the complement: DNAH5 is on the minus strand). VCF-style: chr5-13928096-G-A. GRCh37 (hg19) VCF-style: chr5-13928205-G-A.
Other names: short protein forms T92I.
Identifiers: ClinVar variation 1479302 (VCV001479302.7), dbSNP rs765566079, ClinGen allele CA359226478.

ClinVar aggregate classification (germline): Uncertain significance (1 of 4 stars; one submission).

Conditions:
Primary ciliary dyskinesia. Also called: Ciliary dyskinesia. Identifiers: Orphanet 244, MedGen C0008780, MONDO:0016575, HP:0012265.

Allele frequency attached by ClinVar (database versions not stated): gnomAD 0.00001.
gnomAD v4.1: 5 of 1,612,286 alleles (0.00031%); highest among the groups gnomAD compares: Non-Finnish European, 0.00042%; no homozygotes.

Submission:

Labcorp Genetics (formerly Invitae), Labcorp
Classification: Uncertain significance for Primary ciliary dyskinesia. Last evaluated: 2024-02-17. Review status: criteria provided, single submitter. Criteria: Invitae Variant Classification Sherloc (09022015). Collection method: clinical testing. Allele origin: germline.
Comment: This sequence change replaces threonine, which is neutral and polar, with isoleucine, which is neutral and non-polar, at codon 92 of the DNAH5 protein (p.Thr92Ile). This variant is not present in population databases (gnomAD no frequency). This variant has not been reported in the literature in individuals affected with DNAH5-related conditions. ClinVar contains an entry for this variant (Variation ID: 1479302). An algorithm developed to predict the effect of missense changes on protein structure and function (PolyPhen-2) suggests that this variant is likely to be disruptive. In summary, the available evidence is currently insufficient to determine the role of this variant in disease. Therefore, it has been classified as a Variant of Uncertain Significance.